The following is an entry in ClinVar:

NM_022455.5(NSD1):c.5733C>T (p.Cys1911=)

Gene: NSD1 (nuclear receptor binding SET domain protein 1; plus strand). Cytogenetic location: 5q35.3.
Variant type: single nucleotide variant.
Coding change: c.5733C>T on transcript NM_022455.5 (MANE Select); coding-DNA position 5733, C replaced by T.
Protein change: p.Cys1911=; no amino-acid change (cysteine 1911 retained).
Molecular consequence: synonymous variant.
Genome position (GRCh38, 1-based): chr5:177,280,675, C>T. VCF-style: chr5-177280675-C-T. GRCh37 (hg19) VCF-style: chr5-176707676-C-T.
Other names: c.4860C>T, p.Cys1620= (NM_001365684.2, NM_001409308.1, NM_001409309.1 and 1 more transcripts); c.5733C>T, p.Cys1911= (NM_001409301.1, NM_001409302.1, NM_001409303.1); c.5313C>T, p.Cys1771= (NM_001409304.1); c.4980C>T, p.Cys1660= (NM_001409305.1); c.4971C>T, p.Cys1657= (NM_001409306.1, NM_001409307.1).
Identifiers: ClinVar variation 3907072 (VCV003907072.1).

ClinVar aggregate classification (germline): Likely benign (1 of 4 stars; one submission).

gnomAD v4.1: 3 of 1,614,108 alleles (0.00019%); highest among the groups gnomAD compares: Non-Finnish European, 0.00025%; no homozygotes.

Submission:

Women's Health and Genetics/Laboratory Corporation of America, LabCorp
Classification: Likely benign. Last evaluated: 2025-06-17. Review status: criteria provided, single submitter. Criteria: LabCorp Variant Classification Summary - May 2015. Collection method: clinical testing. Allele origin: germline.
Comment: Variant summary: NSD1 c.5733C>T alters a conserved nucleotide resulting in a synonymous change. Consensus agreement among computation tools predict no significant impact on normal splicing. However, these predictions have yet to be confirmed by functional studies. The variant allele was found at a frequency of 4e-06 in 251432 control chromosomes. The available data on variant occurrences in the general population are insufficient to allow any conclusion about variant significance. To our knowledge, no occurrence of c.5733C>T in individuals affected with Sotos Syndrome and no experimental evidence demonstrating its impact on protein function have been reported. No submitters have cited clinical-significance assessments for this variant to ClinVar. Based on the evidence outlined above, the variant was classified as likely benign.